The following is an entry in ClinVar:

NM_000222.3(KIT):c.1670G>A (p.Trp557Ter)

Gene: KIT (KIT proto-oncogene, receptor tyrosine kinase; plus strand). Cytogenetic location: 4q12.
Variant type: single nucleotide variant.
Coding change: c.1670G>A on transcript NM_000222.3 (MANE Select); coding-DNA position 1670, G replaced by A.
Protein change: p.Trp557Ter; replaces tryptophan 557 with a stop codon.
Molecular consequence: nonsense.
Genome position (GRCh38, 1-based): chr4:54,727,438, G>A. VCF-style: chr4-54727438-G-A. GRCh37 (hg19) VCF-style: chr4-55593604-G-A.
Other names: c.1658G>A, p.Trp553Ter (NM_001093772.2, NM_001385286.1); c.1673G>A, p.Trp558Ter (NM_001385284.1, NM_001385290.1); c.1670G>A, p.Trp557Ter (NM_001385285.1); c.1661G>A, p.Trp554Ter (NM_001385288.1, NM_001385292.1); short protein forms W557*, W553*, W554*, W558*.
Identifiers: ClinVar variation 458885 (VCV000458885.9), dbSNP rs1057520032, ClinGen allele CA356907463.

ClinVar aggregate classification (germline): Conflicting classifications of pathogenicity. Review status: criteria provided, conflicting classifications (1 of 4 stars). 3 submissions from 3 submitters: Pathogenic (2); Likely benign (1). Last evaluated 2026-03-31.

Conditions:
B Lymphoblastic Leukemia/Lymphoma with t(v;11q23.3); KMT2A Rearranged. Identifiers: MedGen C2698309.
Hereditary cancer-predisposing syndrome. Also called: Tumor predisposition; Hereditary neoplastic syndrome; Neoplastic Syndromes, Hereditary; Hereditary Cancer Syndrome. Identifiers: Orphanet 140162, MedGen C0027672, MeSH D009386, MONDO:0015356.
Gastrointestinal stromal tumor. Also called: Gastrointestinal stroma tumor; Gastrointestinal stromal tumor, somatic. Identifiers: Orphanet 44890, MedGen C0238198, MeSH D046152, MONDO:0011719, OMIM 606764, HP:0100723.

Allele frequency attached by ClinVar (database versions not stated): gnomAD exomes below 0.00001.
gnomAD v4.1: 6 of 1,614,082 alleles (0.00037%); highest among the groups gnomAD compares: Non-Finnish European, 0.00051%; no homozygotes.

Submissions (3):

Ambry Genetics
Classification: Likely benign for Hereditary cancer-predisposing syndrome. Last evaluated: 2026-03-31. Review status: criteria provided, single submitter. Criteria: Ambry Variant Classification Scheme 2023. Collection method: clinical testing. Allele origin: germline.

Labcorp Genetics (formerly Invitae), Labcorp
Classification: Pathogenic for Gastrointestinal stromal tumor. Last evaluated: 2025-05-01. Review status: criteria provided, single submitter. Criteria: Invitae Variant Classification Sherloc (09022015). Collection method: clinical testing. Allele origin: germline.
Comment: This sequence change creates a premature translational stop signal (p.Trp557*) in the KIT gene. It is expected to result in an absent or disrupted protein product. Loss-of-function variants in KIT are known to be pathogenic (PMID: 15194144). This variant is present in population databases (no rsID available, gnomAD 0.0009%). This premature translational stop signal has been observed in individual(s) with piebaldism (PMID: 7529964). ClinVar contains an entry for this variant (Variation ID: 458885). Algorithms developed to predict the effect of sequence changes on RNA splicing suggest that this variant may disrupt the consensus splice site. For these reasons, this variant has been classified as Pathogenic.

St. Jude Molecular Pathology, St. Jude Children's Research Hospital
Classification: Pathogenic for B Lymphoblastic Leukemia/Lymphoma with t(v;11q23.3); KMT2A Rearranged. Last evaluated: 2016-06-22. Review status: criteria provided, single submitter. Criteria: ACMG Guidelines, 2015. Collection method: clinical testing. Allele origin: germline. Affected: yes.

Literature cited by the submitters: PubMed 15194144 (cited by Labcorp Genetics (formerly Invitae), Labcorp); PubMed 7529964 (cited by Labcorp Genetics (formerly Invitae), Labcorp).